The following is an entry in ClinVar:

ClinVar aggregate classification (germline): Likely benign. Review status: criteria provided, single submitter (1 of 4 stars). 2 submissions from 2 submitters: Likely benign (1). 1 of the submissions does not count toward it. Last evaluated 2021-10-29.

Conditions:
RASopathy. Also called: rasopathies; Noonan spectrum disorder. Identifiers: Orphanet 536391, MedGen C5555857, MONDO:0021060.
SOS1-related disorder. Also called: SOS1-related condition.

Allele frequency attached by ClinVar (database versions not stated): TOPMed below 0.00001.

Submissions (2):

Labcorp Genetics (formerly Invitae), Labcorp
Classification: Likely benign for RASopathy. Last evaluated: 2021-10-29. Review status: criteria provided, single submitter. Criteria: Invitae Variant Classification Sherloc (09022015). Collection method: clinical testing. Allele origin: germline.

PreventionGenetics, part of Exact Sciences
Classification: Likely benign for SOS1-related condition. Last evaluated: 2019-12-23. Review status: no assertion criteria provided. Collection method: clinical testing. Allele origin: germline. Not counted in ClinVar's aggregate classification.
Comment: This variant is classified as likely benign based on ACMG/AMP sequence variant interpretation guidelines (Richards et al. 2015 PMID: 25741868, with internal and published modifications).

NM_005633.4(SOS1):c.721-6A>C

Gene: SOS1 (SOS Ras/Rac guanine nucleotide exchange factor 1; minus strand). Cytogenetic location: 2p22.1.
Variant type: single nucleotide variant.
Coding change: c.721-6A>C on transcript NM_005633.4 (MANE Select); 6 bases into the intron before coding-DNA position 721, A replaced by C.
Molecular consequence: intron variant.
Genome position (GRCh38, 1-based): chr2:39,051,293, T>G on the plus strand (A>C on the coding strand, the complement: SOS1 is on the minus strand). VCF-style: chr2-39051293-T-G. GRCh37 (hg19) VCF-style: chr2-39278434-T-G.
Other names: c.700-6A>C (NM_001382394.1); c.721-6A>C (NM_001382395.1, NM_005633.3).
Identifiers: ClinVar variation 1648247 (VCV001648247.10), dbSNP rs1671008797, ClinGen allele CA1246150409.